The following is an entry in ClinVar:

NM_001277115.2(DNAH11):c.13451_13452dup (p.Leu4485fs)

Genes: CDCA7L (cell division cycle associated 7 like; minus strand), DNAH11 (dynein axonemal heavy chain 11; plus strand). Cytogenetic location: 7p15.3.
Variant type: Duplication.
Coding change: c.13451_13452dup on transcript NM_001277115.2 (MANE Select); coding-DNA positions 13451 to 13452, 2 bases duplicated (AA; older notation c.13451_13452dupAA).
Protein change: p.Leu4485fs; shifts the reading frame from leucine 4485.
Molecular consequence: frameshift variant. On other transcripts: 3 prime UTR variant (3).
Genome position (GRCh38, 1-based): chr7:21,901,154-21,901,155, AA duplicated; duplicating any 2 consecutive bases within chr7:21,901,153-21,901,155 gives the same sequence; the c. name uses the placement nearest the transcript's 3' end. VCF-style (leftmost placement, unchanged base first): chr7-21901152-C-CAA. GRCh37 (hg19) VCF-style: chr7-21940770-C-CAA.
Other names: c.*1168_*1169dup (NM_001127370.3, NM_001127371.3, NM_018719.5); short protein forms L4485fs.
Identifiers: ClinVar variation 1403283 (VCV001403283.6), dbSNP rs1450623027, ClinGen allele CA836691414.

ClinVar aggregate classification (germline): Pathogenic (1 of 4 stars; one submission).

Conditions:
Primary ciliary dyskinesia. Also called: Ciliary dyskinesia. Identifiers: Orphanet 244, MedGen C0008780, MONDO:0016575, HP:0012265.

Submission:

Labcorp Genetics (formerly Invitae), Labcorp
Classification: Pathogenic for Primary ciliary dyskinesia. Last evaluated: 2022-10-26. Review status: criteria provided, single submitter. Criteria: Invitae Variant Classification Sherloc (09022015). Collection method: clinical testing. Allele origin: germline.
Comment: This sequence change creates a premature translational stop signal (p.Leu4485Asnfs*2) in the DNAH11 gene. While this is not anticipated to result in nonsense mediated decay, it is expected to disrupt the last 32 amino acid(s) of the DNAH11 protein. This variant is not present in population databases (gnomAD no frequency). This variant has not been reported in the literature in individuals affected with DNAH11-related conditions. ClinVar contains an entry for this variant (Variation ID: 1403283). This variant disrupts a region of the DNAH11 protein in which other variant(s) (p.Trp4505Serfs*10) have been determined to be pathogenic (Invitae). This suggests that this is a clinically significant region of the protein, and that variants that disrupt it are likely to be disease-causing. For these reasons, this variant has been classified as Pathogenic.